The following is an entry in ClinVar:

ClinVar aggregate classification (germline): Benign (1 of 4 stars; one submission).

Allele frequency attached by ClinVar (database versions not stated): gnomAD 0.33570.

Submission:

Unidad de Genómica Garrahan, Hospital de Pediatría Garrahan
Classification: Benign. Last evaluated: 2023-11-12. Review status: criteria provided, single submitter. Criteria: ACMG Guidelines, 2015. Collection method: clinical testing. Allele origin: germline. Affected: no. Observed: 53 variant alleles.
Comment: This variant is classified as Benign based on local population frequency. This variant was detected in 55% of patients studied by a panel of primary immunodeficiencies. Number of patients: 53. Only high quality variants are reported.

NM_001243133.2(NLRP3):c.2322-124A>G

Gene: NLRP3 (NLR family pyrin domain containing 3; plus strand). Cytogenetic location: 1q44.
Variant type: single nucleotide variant.
Coding change: c.2322-124A>G on transcript NM_001243133.2 (MANE Select); 124 bases into the intron before coding-DNA position 2322, A replaced by G.
Molecular consequence: intron variant.
Genome position (GRCh38, 1-based): chr1:247,433,979, A>G. VCF-style: chr1-247433979-A-G. GRCh37 (hg19) VCF-style: chr1-247597281-A-G.
Other names: c.2328-124A>G (NM_004895.5); c.2322-124A>G (NM_001127461.3, NM_001079821.3); c.2151-124A>G (NM_001127462.3, NM_183395.3).
Identifiers: ClinVar variation 2628154 (VCV002628154.2), dbSNP rs12117378, ClinGen allele CA40703491.